The following is an entry in ClinVar:

ClinVar aggregate classification (germline): Uncertain significance (1 of 4 stars; one submission).

Submission:

Labcorp Genetics (formerly Invitae), Labcorp
Classification: Uncertain significance. Last evaluated: 2025-03-31. Review status: criteria provided, single submitter. Criteria: Invitae Variant Classification Sherloc (09022015). Collection method: clinical testing. Allele origin: germline.
Comment: This sequence change replaces lysine, which is basic and polar, with glutamic acid, which is acidic and polar, at codon 130 of the POLE protein (p.Lys130Glu). This variant is not present in population databases (gnomAD no frequency). This variant has not been reported in the literature in individuals affected with POLE-related conditions. ClinVar contains an entry for this variant (Variation ID: 2161162). Invitae Evidence Modeling of protein sequence and biophysical properties (such as structural, functional, and spatial information, amino acid conservation, physicochemical variation, residue mobility, and thermodynamic stability) indicates that this missense variant is not expected to disrupt POLE protein function with a negative predictive value of 80%. In summary, the available evidence is currently insufficient to determine the role of this variant in disease. Therefore, it has been classified as a Variant of Uncertain Significance.

NM_006231.4(POLE):c.388A>G (p.Lys130Glu)

Gene: POLE (DNA polymerase epsilon, catalytic subunit; minus strand). Cytogenetic location: 12q24.33.
Variant type: single nucleotide variant.
Coding change: c.388A>G on transcript NM_006231.4 (MANE Select); coding-DNA position 388, A replaced by G.
Protein change: p.Lys130Glu; replaces lysine 130 with glutamic acid.
Molecular consequence: missense variant.
Genome position (GRCh38, 1-based): chr12:132,679,989, T>C on the plus strand (A>G on the coding strand, the complement: POLE is on the minus strand). VCF-style: chr12-132679989-T-C. GRCh37 (hg19) VCF-style: chr12-133256575-T-C.
Other names: short protein forms K130E.
Identifiers: ClinVar variation 2161162 (VCV002161162.4), dbSNP rs2542190467, ClinGen allele CA387368070.